The following is an entry in ClinVar:

NM_001287491.2(TET3):c.912_1140del (p.Pro305fs)

Gene: TET3 (tet methylcytosine dioxygenase 3; plus strand). Cytogenetic location: 2p13.1.
Variant type: Deletion.
Coding change: c.912_1140del on transcript NM_001287491.2 (MANE Select); coding-DNA positions 912 to 1140, 229 bases deleted.
Protein change: p.Pro305fs; shifts the reading frame from proline 305.
Molecular consequence: frameshift variant.
Genome position (GRCh38, 1-based): chr2:74,046,829-74,047,057, 229 bases deleted. GRCh37 (hg19): chr2:74,273,956-74,274,184.
Other names: c.633_861del, p.Pro212fs (NM_001366022.1); short protein forms P212fs, P305fs.
Identifiers: ClinVar variation 5040516 (VCV005040516.1).

ClinVar aggregate classification (germline): Pathogenic (1 of 4 stars; one submission).

Submission:

CeGaT Center for Human Genetics Tuebingen
Classification: Pathogenic. Last evaluated: 2026-08-01. Review status: criteria provided, single submitter. Criteria: CeGaT Center For Human Genetics Tuebingen Variant Classification Criteria Version 2. Collection method: clinical testing. Allele origin: germline. Affected: yes. Observed: 1 variant allele.
Comment: TET3: PVS1, PM2